The following is an entry in ClinVar:

NM_133433.4(NIPBL):c.5044C>T (p.Arg1682Ter)

Gene: NIPBL (NIPBL cohesin loading factor; plus strand). Cytogenetic location: 5p13.2.
Variant type: single nucleotide variant.
Coding change: c.5044C>T on transcript NM_133433.4 (MANE Select); coding-DNA position 5044, C replaced by T.
Protein change: p.Arg1682Ter; replaces arginine 1682 with a stop codon.
Molecular consequence: nonsense.
Genome position (GRCh38, 1-based): chr5:37,020,492, C>T. VCF-style: chr5-37020492-C-T. GRCh37 (hg19) VCF-style: chr5-37020594-C-T.
Other names: c.5044C>T, p.Arg1682Ter (NM_015384.5); short protein forms R1682*.
Identifiers: ClinVar variation 211645 (VCV000211645.9), dbSNP rs797045769, ClinGen allele CA277162.
Genomic context (GRCh38, chr5:37,020,492, plus strand): 5'-GCTCAAGTCTGTCTAATTTCTTTCCAGTTTTCTCGTAAATTCTATATAGCCCAGTGGTTT[C>T]GAGACACAACTCTGGAAACAGAAAAAGCAATGAAATCACAAAAAGATGAAGAATCATCTG-3'

ClinVar aggregate classification (germline): Pathogenic. Review status: criteria provided, multiple submitters, no conflicts (2 of 4 stars). 2 submissions from 2 submitters: Pathogenic (2). Last evaluated 2024-11-11.

Conditions:
Cornelia de Lange syndrome 1 (CDLS1). Also called: TYPUS DEGENERATIVUS AMSTELODAMENSIS; Brachmann de Lange syndrome; NIPBL-Related Cornelia de Lange Syndrome. Identifiers: Orphanet 199, MedGen C4551851, MONDO:0007387, OMIM 122470.

Submissions (2):

Labcorp Genetics (formerly Invitae), Labcorp
Classification: Pathogenic for Cornelia de Lange syndrome 1. Last evaluated: 2024-11-11. Review status: criteria provided, single submitter. Criteria: Invitae Variant Classification Sherloc (09022015). Collection method: clinical testing. Allele origin: germline.
Comment: This sequence change creates a premature translational stop signal (p.Arg1682*) in the NIPBL gene. It is expected to result in an absent or disrupted protein product. Loss-of-function variants in NIPBL are known to be pathogenic (PMID: 15318302, 19763162, 23505322, 29995837). This variant is not present in population databases (gnomAD no frequency). This premature translational stop signal has been observed in individual(s) with clinical features of Cornelia de Lange syndrome (PMID: 32333414). ClinVar contains an entry for this variant (Variation ID: 211645). For these reasons, this variant has been classified as Pathogenic.

Genetic Services Laboratory, University of Chicago
Classification: Pathogenic for Cornelia de Lange syndrome 1. Last evaluated: 2015-04-29. Review status: criteria provided, single submitter. Criteria: ACMG Guidelines, 2015. Collection method: clinical testing. Allele origin: germline. Affected: yes.

Literature cited by the submitters: PubMed 15318302 (cited by Labcorp Genetics (formerly Invitae), Labcorp); PubMed 19763162 (cited by Labcorp Genetics (formerly Invitae), Labcorp); PubMed 23505322 (cited by Labcorp Genetics (formerly Invitae), Labcorp); PubMed 29995837 (cited by Labcorp Genetics (formerly Invitae), Labcorp); PubMed 32333414 (cited by Labcorp Genetics (formerly Invitae), Labcorp).